The following is an entry in ClinVar:

ClinVar aggregate classification (germline): Uncertain significance (1 of 4 stars; one submission).

Conditions:
Multiple endocrine neoplasia, type 2 (MEN2). Identifiers: Orphanet 653, MedGen C4048306, MONDO:0019003. Disease mechanism: gain of function.

gnomAD v4.1: 1 of 1,613,050 alleles (0.000062%); highest among the groups gnomAD compares: Non-Finnish European, 0.000085%; no homozygotes.

Submission:

Labcorp Genetics (formerly Invitae), Labcorp
Classification: Uncertain significance for Multiple endocrine neoplasia, type 2. Last evaluated: 2021-10-09. Review status: criteria provided, single submitter. Criteria: Invitae Variant Classification Sherloc (09022015). Collection method: clinical testing. Allele origin: germline.
Comment: This sequence change replaces glutamine with histidine at codon 626 of the RET protein (p.Gln626His). The glutamine residue is weakly conserved and there is a small physicochemical difference between glutamine and histidine. This variant is not present in population databases (ExAC no frequency). This variant has not been reported in the literature in individuals affected with RET-related conditions. Algorithms developed to predict the effect of missense changes on protein structure and function are either unavailable or do not agree on the potential impact of this missense change (SIFT: "Deleterious"; PolyPhen-2: "Benign"; Align-GVGD: "Class C0"). In summary, the available evidence is currently insufficient to determine the role of this variant in disease. Therefore, it has been classified as a Variant of Uncertain Significance.

NM_020975.6(RET):c.1878G>C (p.Gln626His)

Gene: RET (ret proto-oncogene; plus strand). Cytogenetic location: 10q11.21.
Variant type: single nucleotide variant.
Coding change: c.1878G>C on transcript NM_020975.6 (MANE Select); coding-DNA position 1878, G replaced by C.
Protein change: p.Gln626His; replaces glutamine 626 with histidine.
Molecular consequence: missense variant.
Genome position (GRCh38, 1-based): chr10:43,113,674, G>C. VCF-style: chr10-43113674-G-C. GRCh37 (hg19) VCF-style: chr10-43609122-G-C.
Other names: c.1878G>C, p.Gln626His (NM_000323.2, NM_001406743.1, NM_001406744.1 and 6 more transcripts); c.1116G>C, p.Gln372His (NM_001355216.2); c.1749G>C, p.Gln583His (NM_001406761.1, NM_001406762.1, NM_001406764.1 and 1 more transcripts); c.1590G>C, p.Gln530His (NM_001406766.1, NM_001406767.1, NM_001406770.1); c.1482G>C, p.Gln494His (NM_001406769.1, NM_001406772.1); c.1440G>C, p.Gln480His (NM_001406771.1, NM_001406773.1); c.1353G>C, p.Gln451His (NM_001406774.1); c.1152G>C, p.Gln384His (NM_001406775.1, NM_001406776.1, NM_001406777.1 and 1 more transcripts); and 5 more; short protein forms Q372H, Q626H, Q530H, Q284H, Q451H, Q494H, Q296H, Q327H.
Identifiers: ClinVar variation 1403841 (VCV001403841.7), dbSNP rs147692872, ClinGen allele CA376552867.